The following is an entry in ClinVar:

ClinVar aggregate classification (germline): Pathogenic/Likely pathogenic. Review status: criteria provided, multiple submitters, no conflicts (2 of 4 stars). 6 submissions from 6 submitters: Pathogenic (3); Likely pathogenic (3). Last evaluated 2025-09-13.

Conditions:
Intellectual developmental disorder, autosomal recessive 65. Also called: Intellectual disability, autosomal recessive 65; MENTAL RETARDATION, AUTOSOMAL RECESSIVE 65. Identifiers: MedGen C4748219, MONDO:0020850, OMIM 618109.

Allele frequency attached by ClinVar (database versions not stated): gnomAD exomes below 0.00001; gnomAD 0.00001; TOPMed 0.00001.

Submissions (6):

Labcorp Genetics (formerly Invitae), Labcorp
Classification: Pathogenic. Last evaluated: 2025-09-13. Review status: criteria provided, single submitter. Criteria: Invitae Variant Classification Sherloc (09022015). Collection method: clinical testing. Allele origin: germline.
Comment: This sequence change creates a premature translational stop signal (p.Arg299*) in the KDM5B gene. It is expected to result in an absent or disrupted protein product. Loss-of-function variants in KDM5B are known to be pathogenic (PMID: 29276005, 30409806). This variant is not present in population databases (gnomAD no frequency). This premature translational stop signal has been observed in individual(s) with KDM5B-related conditions (PMID: 29276005). ClinVar contains an entry for this variant (Variation ID: 626239). For these reasons, this variant has been classified as Pathogenic.

GeneDx
Classification: Pathogenic. Last evaluated: 2025-01-31. Review status: criteria provided, single submitter. Criteria: GeneDx Variant Classification Process June 2021. Collection method: clinical testing. Allele origin: germline. Affected: yes.
Comment: Nonsense variant predicted to result in protein truncation or nonsense mediated decay in a gene for which loss of function is a known mechanism of disease; Not observed at significant frequency in large population cohorts (gnomAD); This variant is associated with the following publications: (PMID: 30409806, 30217758, 37231097, 29276005)

Greenwood Genetic Center Diagnostic Laboratories, Greenwood Genetic Center
Classification: Likely pathogenic for Intellectual developmental disorder, autosomal recessive 65. Last evaluated: 2022-04-12. Review status: criteria provided, single submitter. Criteria: ACMG Guidelines, 2015. Collection method: clinical testing. Allele origin: germline. Affected: yes.
Comment: PVS1, PM2

CeGaT Center for Human Genetics Tuebingen
Classification: Likely pathogenic. Last evaluated: 2022-01-01. Review status: criteria provided, single submitter. Criteria: CeGaT Center For Human Genetics Tuebingen Variant Classification Criteria Version 2. Collection method: clinical testing. Allele origin: germline. Affected: yes. Observed: 1 variant allele.

Baylor Genetics
Classification: Pathogenic for Intellectual developmental disorder, autosomal recessive 65. Last evaluated: 2020-06-03. Review status: criteria provided, single submitter. Criteria: ACMG Guidelines, 2015. Collection method: clinical testing. Allele origin: unknown. Affected: yes.
Comment: This variant was determined to be pathogenic according to ACMG Guidelines, 2015 [PMID:25741868].

SIB Swiss Institute of Bioinformatics
Classification: Likely pathogenic for Intellectual developmental disorder, autosomal recessive 65. Last evaluated: 2019-05-17. Review status: criteria provided, single submitter. Criteria: ACMG Guidelines, 2015. Collection method: curation. Allele origin: unknown.
Comment: This variant is interpreted as a Likely pathogenic for Mental retardation, autosomal recessive 65. The following ACMG Tag(s) were applied: PM2 => Absent from controls (or at extremely low frequency if recessive) in Exome Sequencing Project, 1000 Genomes Project, or Exome Aggregation Consortium. PVS1-Strong => PVS1 downgraded in strength to Strong.

ClinGen:CA344273417

Literature cited by the submitters: PubMed 29276005 (cited by Labcorp Genetics (formerly Invitae), Labcorp and SIB Swiss Institute of Bioinformatics); PubMed 30409806 (cited by Labcorp Genetics (formerly Invitae), Labcorp and SIB Swiss Institute of Bioinformatics); PubMed 30217758 (cited by SIB Swiss Institute of Bioinformatics).

NM_006618.5(KDM5B):c.895C>T (p.Arg299Ter)

Gene: KDM5B (lysine demethylase 5B; minus strand). Cytogenetic location: 1q32.1.
Variant type: single nucleotide variant.
Coding change: c.895C>T on transcript NM_006618.5 (MANE Select); coding-DNA position 895, C replaced by T.
Protein change: p.Arg299Ter; replaces arginine 299 with a stop codon.
Molecular consequence: nonsense.
Genome position (GRCh38, 1-based): chr1:202,762,722, G>A on the plus strand (C>T on the coding strand, the complement: KDM5B is on the minus strand). VCF-style: chr1-202762722-G-A. GRCh37 (hg19) VCF-style: chr1-202731850-G-A.
Other names: c.1003C>T, p.Arg335Ter (NM_001314042.2); c.760C>T, p.Arg254Ter (NM_001347591.2); c.880C>T, p.Arg294Ter (NM_001399817.1); short protein forms R299*, R335*, R254*, R294*.
Identifiers: ClinVar variation 626239 (VCV000626239.46), dbSNP rs1558498928, ClinGen allele CA344273417.
Genomic context (GRCh38, chr1:202,762,722, plus strand): 5'-ACAGGAAAGAAAAAGGAGAAAGGGAGATGTCACTCACAGCATTGGTGGCTTTTTTAGATC[G>A]ACTCTTGGGCTTTTCCTTCTCATTTTCTACAATATAATCTTTCCTCTCAATAGGTTCTTG-3'